The following is an entry in ClinVar:

ClinVar aggregate classification (germline): Uncertain significance (1 of 4 stars; one submission).

Conditions:
Familial hypobetalipoproteinemia 1. Also called: APOB-Related Familial Hypobetalipoproteinemia; Hypobetalipoproteinemia, normotriglyceridemic; Acanthocytosis with hypobetalipoproteinemia. Identifiers: MedGen C4551990, MONDO:0014252, OMIM 615558.
Hypercholesterolemia, autosomal dominant, type B (FHCL2). Also called: Hyperlipoproteinemia Type IIb; Familial Hypercholesterolemia Type B; APOLIPOPROTEIN B-100, FAMILIAL DEFECTIVE; APOLIPOPROTEIN B-100, FAMILIAL LIGAND-DEFECTIVE; HYPERCHOLESTEROLEMIA, FAMILIAL, DUE TO LIGAND-DEFECTIVE APOLIPOPROTEIN B; APOB-Related Familial Hypercholesterolemia, Autosomal Dominant. Identifiers: MedGen C1704417, MONDO:0007751, OMIM 144010.

Submission:

Labcorp Genetics (formerly Invitae), Labcorp
Classification: Uncertain significance for Familial hypobetalipoproteinemia 1; Hypercholesterolemia, autosomal dominant, type B. Last evaluated: 2023-11-27. Review status: criteria provided, single submitter. Criteria: Invitae Variant Classification Sherloc (09022015). Collection method: clinical testing. Allele origin: germline.
Comment: This sequence change replaces glycine, which is neutral and non-polar, with glutamic acid, which is acidic and polar, at codon 493 of the APOB protein (p.Gly493Glu). This variant is not present in population databases (gnomAD no frequency). This variant has not been reported in the literature in individuals affected with APOB-related conditions. ClinVar contains an entry for this variant (Variation ID: 2137315). Advanced modeling of protein sequence and biophysical properties (such as structural, functional, and spatial information, amino acid conservation, physicochemical variation, residue mobility, and thermodynamic stability) has been performed at Invitae for this missense variant, however the output from this modeling did not meet the statistical confidence thresholds required to predict the impact of this variant on APOB protein function. In summary, the available evidence is currently insufficient to determine the role of this variant in disease. Therefore, it has been classified as a Variant of Uncertain Significance.

NM_000384.3(APOB):c.1478G>A (p.Gly493Glu)

Gene: APOB (apolipoprotein B; minus strand). Cytogenetic location: 2p24.1.
Variant type: single nucleotide variant.
Coding change: c.1478G>A on transcript NM_000384.3 (MANE Select); coding-DNA position 1478, G replaced by A.
Protein change: p.Gly493Glu; replaces glycine 493 with glutamic acid.
Molecular consequence: missense variant.
Genome position (GRCh38, 1-based): chr2:21,029,778, C>T on the plus strand (G>A on the coding strand, the complement: APOB is on the minus strand). VCF-style: chr2-21029778-C-T. GRCh37 (hg19) VCF-style: chr2-21252650-C-T.
Other names: short protein forms G493E.
Identifiers: ClinVar variation 2137315 (VCV002137315.2), dbSNP rs2465425923, ClinGen allele CA346015179.